The following continues an entry in ClinVar:

NM_003000.3(SDHB):c.136C>T (p.Arg46Ter)

Gene: SDHB. ClinVar aggregate classification (germline): Pathogenic. Pathogenic (16).

Submissions 9 to 18 of 18:

Greenwood Genetic Center Diagnostic Laboratories, Greenwood Genetic Center
Classification: Pathogenic for SDHB-related disorder. Last evaluated: 2024-03-28. Review status: criteria provided, single submitter. Criteria: ACMG Guidelines, 2015. Collection method: clinical testing. Allele origin: germline.
Comment: PVS1, PS4

Myriad Genetics, Inc.
Classification: Pathogenic for Pheochromocytoma/paraganglioma syndrome 4. Last evaluated: 2024-02-08. Review status: criteria provided, single submitter. Criteria: Myriad Autosomal Dominant, Autosomal Recessive and X-Linked Classification Criteria (2023). Collection method: clinical testing. Allele origin: unknown.
Comment: This variant is considered pathogenic. This variant creates a termination codon and is predicted to result in premature protein truncation.

Baylor Genetics
Classification: Pathogenic for Gastrointestinal stromal tumor. Last evaluated: 2023-12-27. Review status: criteria provided, single submitter. Criteria: ACMG Guidelines, 2015. Collection method: clinical testing. Allele origin: unknown.

GeneDx
Classification: Pathogenic. Last evaluated: 2021-10-22. Review status: criteria provided, single submitter. Criteria: GeneDx Variant Classification Process June 2021. Collection method: clinical testing. Allele origin: germline. Affected: yes.
Comment: Nonsense variant predicted to result in protein truncation or nonsense mediated decay in a gene for which loss-of-function is a known mechanism of disease; Not observed at significant frequency in large population cohorts (Lek et al., 2016); This variant is associated with the following publications: (PMID: 20418362, 21348866, 27539324, 12618761, 18728283, 23797725, 16405730, 19075037, 18419787, 16912137, 18840642, 19454582, 16317055, 22517557, 17102084, 26916530, 28374168, 28204537, 28152038, 30050099, 30122763, 31851316, 29623478, 30694796, 32082649, 30871634, 31492822, 29625052, 32741965, 33087929, 30787465)

Laboratory for Molecular Medicine, Mass General Brigham Personalized Medicine
Classification: Pathogenic for Hereditary pheochromocytoma and paraganglioma. Last evaluated: 2020-08-10. Review status: criteria provided, single submitter. Criteria: ACMG Guidelines, 2015. Collection method: clinical testing. Allele origin: germline.
Comment: The p.Arg46X variant in SDHB has been reported in 11 individuals with SDHB-associated tumors and segregated with disease in 5 affected individuals from 3 families (Ricketts 2008 PMID:18728283, Srirangalingam 2008 PMID:18419787, Ghayee 2009 PMID:19075037, Hensen 2012 PMID:21348866, Mason 2013 PMID:23797725, Pandit 2016 PMID:27539324, Richter 2019 PMID:30050099). It has also been identified in 0.014% (1/7218) of "Other" or 0.008% of Finnish (2/25082) chromosomes by gnomAD. This variant has also been reported in ClinVar (Variation ID 142763). This nonsense variant leads to a premature termination codon at position 46, which is predicted to lead to a truncated or absent protein. Heterozygous loss of function of the SDHB gene is an established disease mechanism in autosomal dominant hereditary paraganglioma and pheochromocytoma. In summary, this variant meets criteria to be classified as pathogenic for autosomal dominant hereditary paraganglioma and pheochromocytoma. ACMG/AMP Criteria applied: PVS1, PS4_Moderate, PM2_Supporting, PP1_Moderate

Blueprint Genetics
Classification: Pathogenic for SDHB-related disorders. Last evaluated: 2019-10-23. Review status: criteria provided, single submitter. Criteria: ACMG Guidelines, 2015. Collection method: clinical testing. Allele origin: germline. Affected: yes. Observed: 5 variant alleles.

Center for Human Genetics, Inc
Classification: Pathogenic for Pheochromocytoma/paraganglioma syndrome 4. Last evaluated: 2016-11-01. Review status: criteria provided, single submitter. Criteria: ACMG Guidelines, 2015. Collection method: clinical testing. Allele origin: germline. Affected: yes.

Juno Genomics, Hangzhou Juno Genomics, Inc
Classification: Pathogenic for Pheochromocytoma/paraganglioma syndrome 4. Review status: criteria provided, single submitter. Criteria: ACMG Guidelines, 2015. Collection method: clinical testing. Allele origin: germline.
Comment: Absent from controls (or at extremely low frequency if recessive) in Genome Aggregation Database.;Null variant in a gene where loss of function (LOF) is a known mechanism of disease.;The prevalence of the variant in affected individuals is significantly increased compared to the prevalence in controls.;Co-segregation with disease in multiple affected family members.

Gharavi Laboratory, Columbia University
Classification: Uncertain significance. Last evaluated: 2018-09-16. Review status: no assertion criteria provided. Criteria: ACMG Guidelines, 2015. Collection method: research. Allele origin: germline. Affected: no. Not counted in ClinVar's aggregate classification.

Section on Medical Neuroendocrinolgy, National Institutes of Health
Classification: Pathogenic for Hereditary pheochromocytoma and paraganglioma. Review status: no assertion criteria provided. Collection method: research. Allele origin: germline. Affected: yes. Not counted in ClinVar's aggregate classification.

Literature cited by the submitters: PubMed 19454582 (cited by 4 submitters); PubMed 19802898 (cited by Labcorp Genetics (formerly Invitae), Labcorp); PubMed 12618761 (cited by 4 submitters); PubMed 16405730 (cited by 4 submitters); PubMed 18728283 (cited by 6 submitters); PubMed 21348866 (cited by 6 submitters); PubMed 23797725 (cited by 5 submitters); PubMed 16258955 (cited by Rady Children's Institute for Genomic Medicine, Rady Children's Hospital San Diego and All of Us Research Program, National Institutes of Health); PubMed 17652212 (cited by Rady Children's Institute for Genomic Medicine, Rady Children's Hospital San Diego); PubMed 18419787 (cited by 4 submitters); PubMed 19075037 (cited by 5 submitters); PubMed 19389109 (cited by Rady Children's Institute for Genomic Medicine, Rady Children's Hospital San Diego and All of Us Research Program, National Institutes of Health); PubMed 21909610 (cited by 4 submitters); PubMed 27539324 (cited by 5 submitters); PubMed 28944243 (cited by 4 submitters); PubMed 30050099 (cited by Rady Children's Institute for Genomic Medicine, Rady Children's Hospital San Diego and Laboratory for Molecular Medicine, Mass General Brigham Personalized Medicine); PubMed 30122763 (cited by 3 submitters); PubMed 16317055 (cited by Ambry Genetics and Quest Diagnostics Nichols Institute San Juan Capistrano); PubMed 16912137 (cited by Ambry Genetics and Quest Diagnostics Nichols Institute San Juan Capistrano); PubMed 26273102 (cited by Ambry Genetics); PubMed 28490599 (cited by All of Us Research Program, National Institutes of Health); PubMed 29623478 (cited by All of Us Research Program, National Institutes of Health); PubMed 33362715 (cited by All of Us Research Program, National Institutes of Health and Quest Diagnostics Nichols Institute San Juan Capistrano); PubMed 35127314 (cited by All of Us Research Program, National Institutes of Health); PubMed 36597280 (cited by All of Us Research Program, National Institutes of Health); PubMed 28374168 (cited by Quest Diagnostics Nichols Institute San Juan Capistrano); PubMed 26916530 (cited by Quest Diagnostics Nichols Institute San Juan Capistrano); PubMed 28469506 (cited by Quest Diagnostics Nichols Institute San Juan Capistrano); PubMed 17487275 (cited by Quest Diagnostics Nichols Institute San Juan Capistrano); PubMed 20418362 (cited by Quest Diagnostics Nichols Institute San Juan Capistrano); PubMed 18840642 (cited by Quest Diagnostics Nichols Institute San Juan Capistrano); PubMed 21979946 (cited by Quest Diagnostics Nichols Institute San Juan Capistrano).